The following is an entry in ClinVar:

ClinVar aggregate classification (germline): Uncertain significance (1 of 4 stars; one submission).

Submission:

GeneDx
Classification: Uncertain significance. Last evaluated: 2024-08-22. Review status: criteria provided, single submitter. Criteria: GeneDx Variant Classification Process June 2021. Collection method: clinical testing. Allele origin: germline. Affected: yes.
Comment: In-frame deletion of 2 amino acids in a non-repeat region; Not observed at significant frequency in large population cohorts (gnomAD); In silico analysis indicates that this variant does not alter protein structure/function; Has not been previously published as pathogenic or benign to our knowledge

NM_003403.5(YY1):c.685_690del (p.Lys229_Lys230del)

Gene: YY1 (YY1 transcription factor; plus strand). Cytogenetic location: 14q32.2.
Variant type: Deletion.
Coding change: c.685_690del on transcript NM_003403.5 (MANE Select); coding-DNA positions 685 to 690, 6 bases deleted (AAAAAA; older notation c.685_690delAAAAAA).
Protein change: p.Lys229_Lys230del.
Molecular consequence: inframe indel (on NM_003403.4).
Genome position (GRCh38, 1-based): chr14:100,262,309-100,262,314, AAAAAA deleted; deleting any 6 consecutive bases within chr14:100,262,307-100,262,314 gives the same sequence; the c. name uses the placement nearest the transcript's 3' end. VCF-style (leftmost placement, unchanged base first): chr14-100262306-GAAAAAA-G. GRCh37 (hg19) VCF-style: chr14-100728643-GAAAAAA-G.
Other names: c.685_690delAAAAAA, p.Lys229_Lys230del (NM_003403.4).
Identifiers: ClinVar variation 3766122 (VCV003766122.1).